The following is an entry in ClinVar:

ClinVar aggregate classification (germline): Uncertain significance. Review status: criteria provided, multiple submitters, no conflicts (2 of 4 stars). 2 submissions from 2 submitters: Uncertain significance (2). Last evaluated 2025-05-06.

Conditions:
Thrombophilia due to thrombin defect (THPH1). Also called: Prothrombin Thrombophilia; Thrombosis susceptibility; THROMBOPHILIA DUE TO FACTOR 2 DEFECT; Prothrombin-Related Thrombophilia (Factor II). Identifiers: MedGen C3160733, MONDO:0008559, OMIM 188050. Disease mechanism: gain of function, loss of function.
Inborn genetic diseases. Identifiers: MedGen C0950123, MeSH D030342.

Allele frequency attached by ClinVar (database versions not stated): gnomAD exomes 0.00002; TOPMed 0.00002; gnomAD 0.00003; ExAC 0.00004; 1000 Genomes Project 30x 0.00016; 1000 Genomes Project 0.00020.
gnomAD v4.1: 35 of 1,614,062 alleles (0.0022%); highest among the groups gnomAD compares: East Asian, 0.0045%; no homozygotes.

Submissions (2):

Ambry Genetics
Classification: Uncertain significance for Inborn genetic diseases. Last evaluated: 2025-05-06. Review status: criteria provided, single submitter. Criteria: Ambry Variant Classification Scheme 2023. Collection method: clinical testing. Allele origin: germline.
Comment: The p.R117Q variant (also known as c.350G>A), located in coding exon 5 of the F2 gene, results from a G to A substitution at nucleotide position 350. The arginine at codon 117 is replaced by glutamine, an amino acid with highly similar properties. This amino acid position is conserved. In addition, this alteration is predicted to be tolerated by in silico analysis. Based on the available evidence, the clinical significance of this variant remains unclear.

Neuberg Centre For Genomic Medicine, NCGM
Classification: Uncertain significance for Thrombophilia due to thrombin defect. Review status: criteria provided, single submitter. Criteria: ACMG Guidelines, 2015. Collection method: clinical testing. Allele origin: germline. Inheritance: Autosomal dominant inheritance. Affected: yes.
Comment: The missense (c.350G>A) variant has not been reported previously as a pathogenic variant nor as a benign variant, to our knowledge. This variant has been reported with allele frequency of 0.004% in gnomAD database. The amino acid change p.Arg117Gln in F2 is predicted as conserved by GERP++. The amino acid Arg at position 117 is changed to a Gln changing protein sequence and it might alter its composition and physico-chemical properties. For these reasons, this variant has been classified as Uncertain Significance (VUS).

NM_000506.5(F2):c.350G>A (p.Arg117Gln)

Gene: F2 (coagulation factor II, thrombin; plus strand). Cytogenetic location: 11p11.2.
Variant type: single nucleotide variant.
Coding change: c.350G>A on transcript NM_000506.5 (MANE Select); coding-DNA position 350, G replaced by A.
Protein change: p.Arg117Gln; replaces arginine 117 with glutamine.
Molecular consequence: missense variant.
Genome position (GRCh38, 1-based): chr11:46,723,213, G>A. VCF-style: chr11-46723213-G-A. GRCh37 (hg19) VCF-style: chr11-46744763-G-A.
Other names: c.350G>A (NM_000506.3); short protein forms R117Q.
Identifiers: ClinVar variation 2584872 (VCV002584872.3), dbSNP rs532445027, ClinGen allele CA5966924.